The following is an entry in ClinVar:

ClinVar aggregate classification (germline): Uncertain significance. Review status: criteria provided, multiple submitters, no conflicts (2 of 4 stars). 2 submissions from 2 submitters: Uncertain significance (2). Last evaluated 2024-08-01.

Conditions:
Inborn genetic diseases. Identifiers: MedGen C0950123, MeSH D030342.
Immunodeficiency, common variable, 1. Also called: ANTIBODY DEFICIENCY DUE TO ICOS DEFECT. Identifiers: Orphanet 1572, Orphanet 695183, MedGen C3149378, MONDO:0011864, OMIM 607594.

Allele frequency attached by ClinVar (database versions not stated): gnomAD exomes below 0.00001; gnomAD 0.00002.
gnomAD v4.1: 7 of 1,590,816 alleles (0.00044%); highest among the groups gnomAD compares: African/African-American, 0.0013%; no homozygotes.

Submissions (2):

Ambry Genetics
Classification: Uncertain significance for Inborn genetic diseases. Last evaluated: 2024-08-01. Review status: criteria provided, single submitter. Criteria: Ambry Variant Classification Scheme 2023. Collection method: clinical testing. Allele origin: germline.

Labcorp Genetics (formerly Invitae), Labcorp
Classification: Uncertain significance for Immunodeficiency, common variable, 1. Last evaluated: 2021-08-27. Review status: criteria provided, single submitter. Criteria: Invitae Variant Classification Sherloc (09022015). Collection method: clinical testing. Allele origin: germline.
Comment: This sequence change replaces threonine with isoleucine at codon 195 of the ICOS protein (p.Thr195Ile). The threonine residue is moderately conserved and there is a moderate physicochemical difference between threonine and isoleucine. This variant is not present in population databases (ExAC no frequency). This variant has not been reported in the literature in individuals affected with ICOS-related conditions. Algorithms developed to predict the effect of missense changes on protein structure and function are either unavailable or do not agree on the potential impact of this missense change (SIFT: "Tolerated"; PolyPhen-2: "Possibly Damaging"; Align-GVGD: "Class C0"). In summary, the available evidence is currently insufficient to determine the role of this variant in disease. Therefore, it has been classified as a Variant of Uncertain Significance.

NM_012092.4(ICOS):c.584C>T (p.Thr195Ile)

Gene: ICOS (inducible T cell costimulator; plus strand). Cytogenetic location: 2q33.2.
Variant type: single nucleotide variant.
Coding change: c.584C>T on transcript NM_012092.4 (MANE Select); coding-DNA position 584, C replaced by T.
Protein change: p.Thr195Ile; replaces threonine 195 with isoleucine.
Molecular consequence: missense variant.
Genome position (GRCh38, 1-based): chr2:203,957,881, C>T. VCF-style: chr2-203957881-C-T. GRCh37 (hg19) VCF-style: chr2-204822604-C-T.
Other names: c.584C>T (NM_012092.3); short protein forms T195I.
Identifiers: ClinVar variation 1356239 (VCV001356239.4), dbSNP rs1044762811, ClinGen allele CA63852804.